The following is an entry in ClinVar:

ClinVar aggregate classification (germline): Likely benign (1 of 4 stars; one submission).

Allele frequency attached by ClinVar (database versions not stated): 1000 Genomes Project 30x 0.00125; 1000 Genomes Project 0.00140; TOPMed 0.00606; gnomAD 0.00711 and 0.00751; gnomAD exomes 0.00868.
gnomAD v4.1: 4,986 of 607,302 alleles (0.82%); highest among the groups gnomAD compares: Non-Finnish European, 1.3%; 38 homozygotes.

Submission:

GeneDx
Classification: Likely benign. Last evaluated: 2018-06-16. Review status: criteria provided, single submitter. Criteria: GeneDx Variant Classification (06012015). Collection method: clinical testing. Allele origin: germline. Affected: yes.
Comment: This variant is considered likely benign or benign based on one or more of the following criteria: it is a conservative change, it occurs at a poorly conserved position in the protein, it is predicted to be benign by multiple in silico algorithms, and/or has population frequency not consistent with disease.

NM_001005361.3(DNM2):c.1336-196C>G

Gene: DNM2 (dynamin 2; plus strand). Cytogenetic location: 19p13.2.
Variant type: single nucleotide variant.
Coding change: c.1336-196C>G on transcript NM_001005361.3 (MANE Select); 196 bases into the intron before coding-DNA position 1336, C replaced by G.
Molecular consequence: intron variant.
Genome position (GRCh38, 1-based): chr19:10,798,290, C>G. VCF-style: chr19-10798290-C-G. GRCh37 (hg19) VCF-style: chr19-10908966-C-G.
Other names: c.1336-196C>G (NM_001005360.3, NM_001190716.2, NM_004945.4 and 1 more transcripts).
Identifiers: ClinVar variation 670485 (VCV000670485.1), dbSNP rs180679346, ClinGen allele CA305283175.